The following is an entry in ClinVar:

ClinVar aggregate classification (germline): Pathogenic. Review status: criteria provided, multiple submitters, no conflicts (2 of 4 stars). 15 submissions from 15 submitters: Pathogenic (14). 1 of the submissions does not count toward it. Last evaluated 2026-05-04.

Conditions:
Osteogenesis imperfecta type I (OI1). Also called: OI, TYPE I; OSTEOGENESIS IMPERFECTA TARDA; OSTEOGENESIS IMPERFECTA WITH BLUE SCLERAE; Osteogenesis imperfecta type 1; Classic Non-deforming Osteogenesis Imperfecta with Blue Sclerae; Lobstein's Disease. Identifiers: Orphanet 216796, Orphanet 666, MedGen C0023931, MONDO:0008146, OMIM 166200. Disease mechanism: loss of function.
Osteogenesis imperfecta, perinatal lethal (OI2). Also called: OI, TYPE II; OSTEOGENESIS IMPERFECTA CONGENITA; VROLIK TYPE OF OSTEOGENESIS IMPERFECTA; OSTEOGENESIS IMPERFECTA, TYPE II; Osteogenesis imperfecta, dominant perinatal lethal; Osteogenesis imperfecta type 2. Identifiers: Orphanet 216804, MedGen C0268358, MONDO:0008147, OMIM 166210.
Osteogenesis imperfecta type III (OI3). Also called: Progressively Deforming Osteogenesis Imperfecta; Osteogenesis imperfecta type 3; OI type 3; Osteogenesis imperfecta, progressively deforming with normal sclerae; OI type III. Identifiers: Orphanet 216812, Orphanet 666, MedGen C0268362, MONDO:0009804, OMIM 259420.
Osteoporosis. Identifiers: MedGen C0029456, MONDO:0005298, OMIM 166710, HP:0000939.
Ehlers-Danlos syndrome, arthrochalasia type. Also called: Ehlers-Danlos syndrome, arthrochalasia type, 1; ARTHROCHALASIS MULTIPLEX CONGENITA; EDS VII, MUTANT PROCOLLAGEN TYPE; EDS VIIA; Ehlers-Danlos syndrome, arthrochalasis type. Identifiers: Orphanet 1899, Orphanet 99875, Orphanet 99876, MedGen C4551623, MONDO:0007525, OMIM 130060.
Combined osteogenesis imperfecta and Ehlers-Danlos syndrome 1. Also called: OIEDS SYNDROME 1. Identifiers: MedGen C5436842, MONDO:0030854, OMIM 619115.
Infantile cortical hyperostosis. Also called: Hyperostosis, Cortical, Congenital; P1PK BLOOD GROUP SYSTEM, P(2) PHENOTYPE; Caffey Disease. Identifiers: Orphanet 1310, MedGen C0020497, MONDO:0007244, OMIM 114000.
Osteogenesis imperfecta with normal sclerae, dominant form (OI4). Also called: OSTEOGENESIS IMPERFECTA WITH NORMAL SCLERAE; Osteogenesis imperfecta type 4; OSTEOGENESIS IMPERFECTA, TYPE IV, WITH DENTINOGENESIS IMPERFECTA; Common Variable Osteogenesis Imperfecta with Normal Sclerae; Osteogenesis Imperfecta Type IV. Identifiers: Orphanet 216820, Orphanet 666, MedGen C0268363, MONDO:0008148, OMIM 166220.
COL1A1-related disorder. Also called: COL1A1-related condition; COL1A1- related disease.

Allele frequency attached by ClinVar (database versions not stated): gnomAD exomes below 0.00001.

Submissions 1 to 5 of 15:

PreventionGenetics, part of Exact Sciences
Classification: Pathogenic for COL1A1-related condition. Last evaluated: 2026-05-04. Review status: criteria provided, single submitter. Criteria: ACMG Guidelines, 2015. Collection method: clinical testing. Allele origin: germline.
Comment: The COL1A1 c.1243C>T variant is predicted to result in premature protein termination (p.Arg415*). This variant has been reported in multiple individuals with osteogenesis imperfecta (see example: Higuchi et al. 2021. PubMed ID: 33939306; Hruskova et al. 2016. PubMed ID: 27132807; Morlino et al. 2020. PubMed ID: 31794058). This variant has not been reported in a large population database, indicating this variant is rare. Nonsense variants in COL1A1 are expected to be pathogenic. This variant is interpreted as pathogenic.

3billion
Classification: Pathogenic for COL1A1-related disorder. Last evaluated: 2025-12-26. Review status: criteria provided, single submitter. Criteria: ACMG Guidelines, 2015. Collection method: clinical testing. Allele origin: germline. Affected: yes.
Comment: The variant is observed at an extremely low frequency in the gnomAD v4.1.0 dataset (total allele frequency: <0.001%). Predicted Consequence/Location: Stop-gained (nonsense): predicted to result in a loss or disruption of normal protein function through nonsense-mediated decay (NMD) or protein truncation. Multiple pathogenic variants are reported downstream of the variant. The variant has been reported at least twice as pathogenic with clinical assertions and evidence for the classification (ClinVar ID: VCV000425597 /PMID: 8808594 /3billion dataset). Therefore, this variant is classified as Pathogenic according to the recommendation of ACMG/AMP guideline.

Women's Health and Genetics/Laboratory Corporation of America, LabCorp
Classification: Pathogenic for Osteogenesis imperfecta type I. Last evaluated: 2025-07-15. Review status: criteria provided, single submitter. Criteria: LabCorp Variant Classification Summary - May 2015. Collection method: clinical testing. Allele origin: germline.
Comment: Variant summary: COL1A1 c.1243C>T (p.Arg415X) results in a premature termination codon, predicted to cause a truncation of the encoded protein or absence of the protein due to nonsense mediated decay, which are commonly known mechanisms for disease. The variant was absent in 250390 control chromosomes. c.1243C>T has been observed in individuals affected with Osteogenesis imperfecta type I (e.g., Redford-Badwal_1996, Ries-Levavi_2004, Willing_1996, Takeda_2022). These data indicate that the variant is likely to be associated with disease. The following publications have been ascertained in the context of this evaluation (PMID: 8613526, 15024745, 8808594, 35822426). ClinVar contains an entry for this variant (Variation ID: 425597). Based on the evidence outlined above, the variant was classified as pathogenic.

Clinical Biomedical Laboratory, Shriners Hospital For Children - Canada
Classification: Pathogenic for Osteogenesis imperfecta type I. Last evaluated: 2025-05-23. Review status: criteria provided, single submitter. Criteria: ACMG Guidelines, 2015. Collection method: clinical testing. Allele origin: germline. Affected: yes.
Comment: This variant introduces a premature stop codon in exon 19 and is expected to lead to degradation of the affected transcript. Variants introducing premature stop codons in COL1A1 are a typical cause of osteogenesis imperfecta type I. This variant is absent from the Genome Aggregation Database (v2.1.1). This variant has been reported in the literature (PMID: 25944380) as a cause of osteogenesis imperfecta.

Labcorp Genetics (formerly Invitae), Labcorp
Classification: Pathogenic for Osteogenesis imperfecta type I. Last evaluated: 2025-04-14. Review status: criteria provided, single submitter. Criteria: Invitae Variant Classification Sherloc (09022015). Collection method: clinical testing. Allele origin: germline.
Comment: This sequence change creates a premature translational stop signal (p.Arg415*) in the COL1A1 gene. It is expected to result in an absent or disrupted protein product. Loss-of-function variants in COL1A1 are known to be pathogenic (PMID: 7942841, 9295084, 9443882). This variant is not present in population databases (gnomAD no frequency). This premature translational stop signal has been observed in individuals with osteogenesis imperfecta, type 1 (PMID: 8613526, 8808594, 15024745, 25944380, 27132807). ClinVar contains an entry for this variant (Variation ID: 425597). For these reasons, this variant has been classified as Pathogenic.

NM_000088.4(COL1A1):c.1243C>T (p.Arg415Ter)

Gene: COL1A1 (collagen type I alpha 1 chain; minus strand). Cytogenetic location: 17q21.33.
Variant type: single nucleotide variant.
Coding change: c.1243C>T on transcript NM_000088.4 (MANE Select); coding-DNA position 1243, C replaced by T.
Protein change: p.Arg415Ter; replaces arginine 415 with a stop codon.
Molecular consequence: nonsense.
Genome position (GRCh38, 1-based): chr17:50,195,288, G>A on the plus strand (C>T on the coding strand, the complement: COL1A1 is on the minus strand). VCF-style: chr17-50195288-G-A. GRCh37 (hg19) VCF-style: chr17-48272649-G-A.
Other names: c.1243C>T (LRG_1t1); short protein forms R415*.
Identifiers: ClinVar variation 425597 (VCV000425597.32), dbSNP rs72648326, ClinGen allele CA291546646.